The following is an entry in ClinVar:

NM_001365951.3(KIF1B):c.2551T>A (p.Leu851Met)

Gene: KIF1B (kinesin family member 1B; plus strand). Cytogenetic location: 1p36.22.
Variant type: single nucleotide variant.
Coding change: c.2551T>A on transcript NM_001365951.3 (MANE Select); coding-DNA position 2551, T replaced by A.
Protein change: p.Leu851Met; replaces leucine 851 with methionine.
Molecular consequence: missense variant.
Genome position (GRCh38, 1-based): chr1:10,324,771, T>A. VCF-style: chr1-10324771-T-A. GRCh37 (hg19) VCF-style: chr1-10384829-T-A.
Other names: c.2551T>A, p.Leu851Met (NM_001365952.1); c.2413T>A, p.Leu805Met (NM_015074.3); short protein forms L805M, L851M.
Identifiers: ClinVar variation 501119 (VCV000501119.20), dbSNP rs139572764, ClinGen allele CA581554.

ClinVar aggregate classification (germline): Conflicting classifications of pathogenicity. Review status: criteria provided, conflicting classifications (1 of 4 stars). 5 submissions from 5 submitters: Uncertain significance (2); Likely benign (2). 1 of the submissions does not count toward it. Last evaluated 2025-05-05.

Conditions:
Charcot-Marie-Tooth disease type 2. Also called: Charcot-Marie-Tooth type 2. Identifiers: Orphanet 64746, MedGen C0270914, MONDO:0018993.
KIF1B-related disorder. Also called: KIF1B-related condition.
Charcot-Marie-Tooth disease. Also called: Charcot-Marie-Tooth Neuropathy; Charcot-Marie-Tooth Hereditary Neuropathy. Identifiers: Orphanet 166, MedGen C0007959, MONDO:0015626.

Allele frequency attached by ClinVar (database versions not stated): 1000 Genomes Project 0.00040; ESP Exome Variant Server 0.00023; gnomAD 0.00046 and 0.00042; gnomAD exomes 0.00004 and 0.00008; ExAC 0.00007; TOPMed 0.00052; 1000 Genomes Project 30x 0.00062.
gnomAD v4.1: 127 of 1,614,118 alleles (0.0079%); highest among the groups gnomAD compares: African/African-American, 0.17%; no homozygotes.

Submissions (5):

Labcorp Genetics (formerly Invitae), Labcorp
Classification: Likely benign for Charcot-Marie-Tooth disease type 2. Last evaluated: 2025-05-05. Review status: criteria provided, single submitter. Criteria: Invitae Variant Classification Sherloc (09022015). Collection method: clinical testing. Allele origin: germline.

Ambry Genetics
Classification: Likely benign. Last evaluated: 2020-09-10. Review status: criteria provided, single submitter. Criteria: Ambry Variant Classification Scheme 2023. Collection method: clinical testing. Allele origin: germline.

Eurofins Ntd Llc (ga)
Classification: Uncertain significance. Last evaluated: 2017-04-17. Review status: criteria provided, single submitter. Criteria: EGL Classification Definitions 2015. Collection method: clinical testing. Allele origin: germline. Observed: 1 variant allele, 1 heterozygote.

Molecular Genetics Laboratory, London Health Sciences Centre
Classification: Uncertain significance for Charcot-Marie-Tooth disease. Review status: criteria provided, single submitter. Criteria: ACMG Guidelines, 2015. Collection method: clinical testing. Allele origin: germline. Affected: yes.

PreventionGenetics, part of Exact Sciences
Classification: Likely benign for KIF1B-related condition. Last evaluated: 2022-08-01. Review status: no assertion criteria provided. Collection method: clinical testing. Allele origin: germline. Not counted in ClinVar's aggregate classification.
Comment: This variant is classified as likely benign based on ACMG/AMP sequence variant interpretation guidelines (Richards et al. 2015 PMID: 25741868, with internal and published modifications).